The following is an entry in ClinVar:

NM_001135998.3(NDUFB11):c.26G>T (p.Ser9Ile)

Gene: NDUFB11 (NADH:ubiquinone oxidoreductase subunit B11; minus strand). Cytogenetic location: Xp11.3.
Variant type: single nucleotide variant.
Coding change: c.26G>T on transcript NM_001135998.3 (MANE Select); coding-DNA position 26, G replaced by T.
Protein change: p.Ser9Ile; replaces serine 9 with isoleucine.
Molecular consequence: missense variant.
Genome position (GRCh38, 1-based): chrX:47,144,654, C>A on the plus strand (G>T on the coding strand, the complement: NDUFB11 is on the minus strand). VCF-style: chrX-47144654-C-A. GRCh37 (hg19) VCF-style: chrX-47004053-C-A.
Other names: c.26G>T, p.Ser9Ile (NM_019056.7); short protein forms S9I.
Identifiers: ClinVar variation 4885527 (VCV004885527.2).

ClinVar aggregate classification (germline): Uncertain significance (1 of 4 stars; one submission).

Submission:

Dasa
Classification: Uncertain significance. Last evaluated: 2026-02-20. Review status: criteria provided, single submitter. Criteria: DASA Assertion Criteria. Collection method: clinical testing. Allele origin: germline.
Comment: NM_001135998.3(NDUFB11):c.26G>T (p.Ser9Ile) is a missense variant that results in the substitution of serine with isoleucine. This variant is rare in population databases. Computational prediction algorithms are consistent with a benign effect. The currently available literature and clinical evidence are not sufficient to establish a definitive association between this variant and the reported condition. Therefore, this variant is classified as a variant of uncertain significance.